The following is an entry in ClinVar:

NM_001972.4(ELANE):c.556G>A (p.Val186Ile)

Gene: ELANE (elastase, neutrophil expressed; plus strand). Cytogenetic location: 19p13.3.
Variant type: single nucleotide variant.
Coding change: c.556G>A on transcript NM_001972.4 (MANE Select); coding-DNA position 556, G replaced by A.
Protein change: p.Val186Ile; replaces valine 186 with isoleucine.
Molecular consequence: missense variant.
Genome position (GRCh38, 1-based): chr19:855,753, G>A. VCF-style: chr19-855753-G-A. GRCh37 (hg19) VCF-style: chr19-855753-G-A.
Other names: c.556G>A (NM_001972.3, LRG_57t1); short protein forms V186I.
Identifiers: ClinVar variation 265118 (VCV000265118.57), dbSNP rs140642538, ClinGen allele CA9026090.
Genomic context (GRCh38, chr19:855,753, plus strand): 5'-GCCAGCGTCCTGCAGGAGCTCAACGTGACGGTGGTGACGTCCCTCTGCCGTCGCAGCAAC[G>A]TCTGCACTCTCGTGAGGGGCCGGCAGGCCGGCGTCTGTTTCGTACGTGCCCTGGGTGTCC-3'
Protein context (NP_001963.1, residues 176-196): VVTSLCRRSN[Val186Ile]CTLVRGRQAG

ClinVar aggregate classification (germline): Uncertain significance. Review status: criteria provided, multiple submitters, no conflicts (2 of 4 stars). 5 submissions from 5 submitters: Uncertain significance (5). Last evaluated 2025-10-21.

Conditions:
Cyclical neutropenia. Also called: Cyclic Neutropenia; Cyclic hematopoiesis. Identifiers: Orphanet 2686, MedGen C0221023, MONDO:0008090, OMIM 162800, HP:0040289. Disease mechanism: loss of function.
Neutropenia, severe congenital, 1, autosomal dominant. Identifiers: MedGen C1859966, MONDO:0042490, OMIM 202700.
ELANE-related disorder. Also called: ELANE-related condition.

Allele frequency attached by ClinVar (database versions not stated): gnomAD 0.00001 and 0.00002; TOPMed 0.00003; gnomAD exomes 0.00004; ExAC 0.00005; ESP Exome Variant Server 0.00008.
gnomAD v4.1: 54 of 1,609,452 alleles (0.0034%); highest among the groups gnomAD compares: Non-Finnish European, 0.0041%; no homozygotes.

Submissions (5):

Labcorp Genetics (formerly Invitae), Labcorp
Classification: Uncertain significance for Neutropenia, severe congenital, 1, autosomal dominant; Cyclical neutropenia. Last evaluated: 2025-10-21. Review status: criteria provided, single submitter. Criteria: Invitae Variant Classification Sherloc (09022015). Collection method: clinical testing. Allele origin: germline.
Comment: This sequence change replaces valine, which is neutral and non-polar, with isoleucine, which is neutral and non-polar, at codon 186 of the ELANE protein (p.Val186Ile). This variant is present in population databases (rs140642538, gnomAD 0.009%). This missense change has been observed in individual(s) with severe congenital neutropenia (PMID: 19775295, 31321910, 37216690). This variant is also known as V157I. ClinVar contains an entry for this variant (Variation ID: 265118). Invitae Evidence Modeling of protein sequence and biophysical properties (such as structural, functional, and spatial information, amino acid conservation, physicochemical variation, residue mobility, and thermodynamic stability) indicates that this missense variant is not expected to disrupt ELANE protein function with a negative predictive value of 95%. In summary, the available evidence is currently insufficient to determine the role of this variant in disease. Therefore, it has been classified as a Variant of Uncertain Significance.

Center for Genomic Medicine, Rigshospitalet, Copenhagen University Hospital
Classification: Uncertain significance. Last evaluated: 2025-03-04. Review status: criteria provided, single submitter. Criteria: ACMG Guidelines, 2015. Collection method: clinical testing. Allele origin: germline.

PreventionGenetics, part of Exact Sciences
Classification: Uncertain significance for ELANE-related condition. Last evaluated: 2024-10-03. Review status: criteria provided, single submitter. Criteria: ACMG Guidelines, 2015. Collection method: clinical testing. Allele origin: germline.
Comment: The ELANE c.556G>A variant is predicted to result in the amino acid substitution p.Val186Ile. This variant has been reported in multiple individuals with severe neutropenia (Xia et al. 2009. PubMed ID: 19775295; Yılmaz Karapınar et al. 2019. PubMed ID: 31321910; Table S4, Molteni et al. 2023. PubMed ID: 37216690). This variant is reported in 0.0090% of alleles in individuals of European (Non-Finnish) descent in gnomAD. At this time, the clinical significance of this variant is uncertain due to the absence of conclusive functional and genetic evidence.

GeneDx
Classification: Uncertain significance. Last evaluated: 2023-01-26. Review status: criteria provided, single submitter. Criteria: GeneDx Variant Classification Process June 2021. Collection method: clinical testing. Allele origin: germline. Affected: yes.
Comment: Identified in patients with severe congenital neutropenia in published literature (Xia et al., 2009; Makaryan et al., 2015); In silico analysis supports that this missense variant does not alter protein structure/function; Also known as p.(V157I); This variant is associated with the following publications: (PMID: 25427142, 31321910, 34426522, 19775295)

Genetic Services Laboratory, University of Chicago
Classification: Uncertain significance. Last evaluated: 2016-09-13. Review status: criteria provided, single submitter. Criteria: ACMG Guidelines, 2015. Collection method: clinical testing. Allele origin: germline. Affected: no.

Literature cited by the submitters: PubMed 19775295 (cited by Labcorp Genetics (formerly Invitae), Labcorp); PubMed 31321910 (cited by Labcorp Genetics (formerly Invitae), Labcorp and Center for Genomic Medicine, Rigshospitalet, Copenhagen University Hospital); PubMed 37216690 (cited by Labcorp Genetics (formerly Invitae), Labcorp and Center for Genomic Medicine, Rigshospitalet, Copenhagen University Hospital).